The following is an entry in ClinVar:

ClinVar aggregate classification (germline): Conflicting classifications of pathogenicity. Review status: criteria provided, conflicting classifications (1 of 4 stars). 2 submissions from 2 submitters: Uncertain significance (1); Likely benign (1). Last evaluated 2026-09-01.

Conditions:
Cardiovascular phenotype. Identifiers: MedGen CN230736.

Allele frequency attached by ClinVar (database versions not stated): TOPMed below 0.00001; gnomAD exomes 0.00001.
gnomAD v4.1: 11 of 1,614,148 alleles (0.00068%); highest among the groups gnomAD compares: East Asian, 0.0022%; no homozygotes.

Submissions (2):

CeGaT Center for Human Genetics Tuebingen
Classification: Likely benign. Last evaluated: 2026-09-01. Review status: criteria provided, single submitter. Criteria: CeGaT Center For Human Genetics Tuebingen Variant Classification Criteria Version 2. Collection method: clinical testing. Allele origin: germline. Affected: yes. Observed: 1 variant allele.
Comment: LAMA4: BP4

Ambry Genetics
Classification: Uncertain significance for Cardiovascular phenotype. Last evaluated: 2022-12-13. Review status: criteria provided, single submitter. Criteria: Ambry Variant Classification Scheme 2023. Collection method: clinical testing. Allele origin: germline.

NM_001105206.3(LAMA4):c.2234C>T (p.Thr745Met)

Gene: LAMA4 (laminin subunit alpha 4; minus strand). Cytogenetic location: 6q21.
Variant type: single nucleotide variant.
Coding change: c.2234C>T on transcript NM_001105206.3 (MANE Select); coding-DNA position 2234, C replaced by T.
Protein change: p.Thr745Met; replaces threonine 745 with methionine.
Molecular consequence: missense variant.
Genome position (GRCh38, 1-based): chr6:112,148,276, G>A on the plus strand (C>T on the coding strand, the complement: LAMA4 is on the minus strand). VCF-style: chr6-112148276-G-A. GRCh37 (hg19) VCF-style: chr6-112469478-G-A.
Other names: c.2213C>T, p.Thr738Met (NM_001105207.3, NM_002290.5); short protein forms T738M, T745M.
Identifiers: ClinVar variation 2334601 (VCV002334601.3), dbSNP rs1554334990, ClinGen allele CA365383661.